The following is an entry in ClinVar:

ClinVar aggregate classification (germline): Likely pathogenic (1 of 4 stars; one submission).

Conditions:
Spinocerebellar ataxia, autosomal recessive, with axonal neuropathy 2 (SCAN2). Also called: Ataxia-ocular apraxia-2; Ataxia with Oculomotor Apraxia; ATAXIA-OCULOMOTOR APRAXIA 2; Ataxia with Oculomotor Apraxia Type 2. Identifiers: Orphanet 64753, MedGen C1853761, MONDO:0018996, OMIM 606002.

Submission:

Variantyx, Inc.
Classification: Likely pathogenic for Spinocerebellar ataxia, autosomal recessive, with axonal neuropathy 2. Last evaluated: 2025-05-28. Review status: criteria provided, single submitter. Criteria: Variantyx Assertion Criteria 2022. Collection method: clinical testing. Allele origin: germline. Inheritance: Autosomal recessive inheritance. Affected: no.
Comment: This is a frameshift variant in the SETX gene (OMIM: 608465). Pathogenic variants in this gene have been associated with autosomal recessive spinocerebellar ataxia with axonal neuropathy 2. This variant introduces a premature termination codon in exon 10 out of 26 and is expected to result in loss of function, which is a known disease mechanism for SETX in this disorder (PMID: 14770181) (PVS1). This variant is absent from control populations (PM2) and has not been reported in individuals with SETX-related disorders in the databases available for review. Based on the current evidence, this variant is classified as likely pathogenic for autosomal recessive spinocerebellar ataxia with axonal neuropathy 2.

Literature cited by the submitters: PubMed 14770181.

NM_015046.7(SETX):c.2155_2159del (p.Ser719fs)

Gene: SETX (senataxin; minus strand). Cytogenetic location: 9q34.13.
Variant type: Deletion.
Coding change: c.2155_2159del on transcript NM_015046.7 (MANE Select); coding-DNA positions 2155 to 2159, 5 bases deleted (TCTTC; older notation c.2155_2159delTCTTC).
Protein change: p.Ser719fs; shifts the reading frame from serine 719.
Molecular consequence: frameshift variant.
Genome position (GRCh38, 1-based): chr9:132,329,439-132,329,443, GAAGA deleted on the plus strand (TCTTC on the coding strand, the reverse complement: SETX is on the minus strand); deleting any 5 consecutive bases within chr9:132,329,439-132,329,445 gives the same sequence; the c. name uses the placement nearest the transcript's 3' end. VCF-style (leftmost placement, unchanged base first): chr9-132329438-TGAAGA-T. GRCh37 (hg19) VCF-style: chr9-135204825-TGAAGA-T.
Other names: c.2155_2159del, p.Ser719fs (NM_001351527.2, NM_001351528.2); short protein forms S719fs.
Identifiers: ClinVar variation 4813710 (VCV004813710.1).